The following is an entry in ClinVar:

NM_000038.6(APC):c.3429T>C (p.Tyr1143=)

Gene: APC (APC regulator of Wnt signaling pathway; plus strand). Cytogenetic location: 5q22.2.
Variant type: single nucleotide variant.
Coding change: c.3429T>C on transcript NM_000038.6 (MANE Select); coding-DNA position 3429, T replaced by C.
Protein change: p.Tyr1143=; no amino-acid change (tyrosine 1143 retained).
Molecular consequence: synonymous variant.
Genome position (GRCh38, 1-based): chr5:112,839,023, T>C. VCF-style: chr5-112839023-T-C. GRCh37 (hg19) VCF-style: chr5-112174720-T-C.
Other names: c.3429T>C, p.Tyr1143= (NM_001127510.3, NM_001354895.2); c.3375T>C, p.Tyr1125= (NM_001127511.3); c.3483T>C, p.Tyr1161= (NM_001354896.2); c.3459T>C, p.Tyr1153= (NM_001354897.2); c.3354T>C, p.Tyr1118= (NM_001354898.2); c.3345T>C, p.Tyr1115= (NM_001354899.2); c.3306T>C, p.Tyr1102= (NM_001354900.2); c.3252T>C, p.Tyr1084= (NM_001354901.2); and 5 more.
Identifiers: ClinVar variation 490263 (VCV000490263.20), dbSNP rs1554084999, ClinGen allele CA445963867.

ClinVar aggregate classification (germline): Benign/Likely benign. Review status: criteria provided, multiple submitters, no conflicts (2 of 4 stars). 6 submissions from 6 submitters: Benign (1); Likely benign (4). 1 of the submissions does not count toward it. Last evaluated 2025-08-20.

Conditions:
Familial adenomatous polyposis 1 (FAP1). Also called: POLYPOSIS, ADENOMATOUS INTESTINAL; FAMILIAL ADENOMATOUS POLYPOSIS 1, ATTENUATED. Identifiers: MedGen C2713442, MONDO:0021056, OMIM 175100. Disease mechanism: loss of function.
Classic or attenuated familial adenomatous polyposis. Identifiers: MedGen CN372698, MONDO:0021057.
Hereditary cancer-predisposing syndrome. Also called: Hereditary Cancer Syndrome; Neoplastic Syndromes, Hereditary; Tumor predisposition; Hereditary neoplastic syndrome. Identifiers: Orphanet 140162, MedGen C0027672, MeSH D009386, MONDO:0015356.

Allele frequency attached by ClinVar (database versions not stated): TOPMed below 0.00001; gnomAD exomes 0.00001.
gnomAD v4.1: 16 of 1,614,140 alleles (0.00099%); highest among the groups gnomAD compares: East Asian, 0.0022%; no homozygotes.

Submissions (6):

Labcorp Genetics (formerly Invitae), Labcorp
Classification: Likely benign for Familial adenomatous polyposis 1. Last evaluated: 2025-08-20. Review status: criteria provided, single submitter. Criteria: Invitae Variant Classification Sherloc (09022015). Collection method: clinical testing. Allele origin: germline.

Myriad Genetics, Inc.
Classification: Benign for Familial adenomatous polyposis 1. Last evaluated: 2024-03-18. Review status: criteria provided, single submitter. Criteria: Myriad Autosomal Dominant, Autosomal Recessive and X-Linked Classification Criteria (2023). Collection method: clinical testing. Allele origin: unknown.
Comment: This variant is considered benign. This variant is a silent/synonymous amino acid change and it is not expected to impact splicing.

All of Us Research Program, National Institutes of Health
Classification: Likely benign for Classic or attenuated familial adenomatous polyposis. Last evaluated: 2023-05-30. Review status: criteria provided, single submitter. Criteria: ACMG Guidelines, 2015. Collection method: clinical testing. Allele origin: germline. Inheritance: Autosomal dominant inheritance. Observed: 1 variant allele, 1 heterozygote.
Comment: This study involves interpretation of variants in research participants for the purpose of population health screening. Participant phenotype was not available at the time of variant classification. Additional details can be found in publication PMID: 35346344, PMCID: PMC8962531

Ambry Genetics
Classification: Likely benign for Hereditary cancer-predisposing syndrome. Last evaluated: 2020-09-17. Review status: criteria provided, single submitter. Criteria: Ambry Variant Classification Scheme 2023. Collection method: clinical testing. Allele origin: germline.

Color Diagnostics, LLC DBA Color Health
Classification: Likely benign for Hereditary cancer-predisposing syndrome. Last evaluated: 2017-05-12. Review status: criteria provided, single submitter. Criteria: ACMG Guidelines, 2015. Collection method: clinical testing. Allele origin: germline.

Mayo Clinic Laboratories, Mayo Clinic
Classification: Likely benign. Review status: no assertion criteria provided. Collection method: clinical testing. Allele origin: unknown. Not counted in ClinVar's aggregate classification.